The following is an entry in ClinVar:

NM_001377.3(DYNC2H1):c.12695T>G (p.Leu4232Arg)

Gene: DYNC2H1 (dynein cytoplasmic 2 heavy chain 1; plus strand). Cytogenetic location: 11q22.3.
Variant type: single nucleotide variant.
Coding change: c.12695T>G on transcript NM_001377.3 (MANE Select); coding-DNA position 12695, T replaced by G.
Protein change: p.Leu4232Arg; replaces leucine 4232 with arginine.
Molecular consequence: missense variant.
Genome position (GRCh38, 1-based): chr11:103,468,635, T>G. VCF-style: chr11-103468635-T-G. GRCh37 (hg19) VCF-style: chr11-103339363-T-G.
Other names: c.12716T>G, p.Leu4239Arg (NM_001080463.2); short protein forms L4232R, L4239R.
Identifiers: ClinVar variation 978201 (VCV000978201.5), dbSNP rs1945272232, ClinGen allele CA382289961.
Genomic context (GRCh38, chr11:103,468,635, plus strand): 5'-TGTTTCCATGGCAGATCAGTGGCTTGTTACTAGAAGGATGTAGTTTTGATGGAAATCAAC[T>G]TTCTGAAAATCAGCTTGATTCTCCCAGCGTGTCATCAGTGCTCCCTTGTTTTATGGGCTG-3'
Protein context (NP_001368.2, residues 4222-4242): LEGCSFDGNQ[Leu4232Arg]SENQLDSPSV

ClinVar aggregate classification (germline): Pathogenic. Review status: criteria provided, single submitter (1 of 4 stars). 2 submissions from 2 submitters: Pathogenic (1). 1 of the submissions does not count toward it. Last evaluated 2025-07-14.

Conditions:
Jeune thoracic dystrophy. Also called: Jeune syndrome; Infantile thoracic dystrophy; Thoracic pelvic phalangeal dystrophy; Jeune's syndrome; Chondroectodermal dysplasia-like syndrome; Short-rib thoracic dysplasia. Identifiers: Orphanet 474, MedGen C0265275, MONDO:0018770.
Autosomal recessive retinitis pigmentosa. Identifiers: MedGen C0339526.

Allele frequency attached by ClinVar (database versions not stated): gnomAD exomes below 0.00001.
gnomAD v4.1: 6 of 1,613,804 alleles (0.00037%); highest among the groups gnomAD compares: Non-Finnish European, 0.00051%; no homozygotes.

Submissions (2):

Labcorp Genetics (formerly Invitae), Labcorp
Classification: Pathogenic for Jeune thoracic dystrophy. Last evaluated: 2025-07-14. Review status: criteria provided, single submitter. Criteria: Invitae Variant Classification Sherloc (09022015). Collection method: clinical testing. Allele origin: germline.
Comment: This sequence change replaces leucine, which is neutral and non-polar, with arginine, which is basic and polar, at codon 4239 of the DYNC2H1 protein (p.Leu4239Arg). This variant is not present in population databases (gnomAD no frequency). This missense change has been observed in individuals with DYNC2H1-related conditions (PMID: 23456818, 32753734, 34321860, 35893076). ClinVar contains an entry for this variant (Variation ID: 978201). Invitae Evidence Modeling of protein sequence and biophysical properties (such as structural, functional, and spatial information, amino acid conservation, physicochemical variation, residue mobility, and thermodynamic stability) indicates that this missense variant is expected to disrupt DYNC2H1 protein function with a positive predictive value of 95%. For these reasons, this variant has been classified as Pathogenic.

Heon Lab, The Hospital for Sick Children
Classification: Uncertain significance for Autosomal recessive retinitis pigmentosa. Last evaluated: 2020-05-01. Review status: no assertion criteria provided. Collection method: research. Allele origin: germline. Affected: yes. Observed: 1 variant allele. Not counted in ClinVar's aggregate classification.

Literature cited by the submitters: PubMed 23456818 (cited by Labcorp Genetics (formerly Invitae), Labcorp); PubMed 32753734 (cited by Labcorp Genetics (formerly Invitae), Labcorp and Heon Lab, The Hospital for Sick Children); PubMed 34321860 (cited by Labcorp Genetics (formerly Invitae), Labcorp); PubMed 35893076 (cited by Labcorp Genetics (formerly Invitae), Labcorp).